The following is an entry in ClinVar:

NM_001283009.2(RTEL1):c.3096G>T (p.Arg1032Ser)

Genes: RTEL1 (regulator of telomere elongation helicase 1; plus strand), RTEL1-TNFRSF6B (RTEL1-TNFRSF6B readthrough (NMD candidate); plus strand). Cytogenetic location: 20q13.33.
Variant type: single nucleotide variant.
Coding change: c.3096G>T on transcript NM_001283009.2 (MANE Select); coding-DNA position 3096, G replaced by T.
Protein change: p.Arg1032Ser; replaces arginine 1032 with serine.
Molecular consequence: missense variant. On other transcripts: non-coding transcript variant (1).
Genome position (GRCh38, 1-based): chr20:63,694,475, G>T. VCF-style: chr20-63694475-G-T. GRCh37 (hg19) VCF-style: chr20-62325828-G-T.
Other names: c.3168G>T, p.Arg1056Ser (NM_032957.5); c.2427G>T, p.Arg809Ser (NM_001283010.1); c.3096G>T, p.Arg1032Ser (NM_016434.4); short protein forms R1032S, R1056S, R809S.
Identifiers: ClinVar variation 3762815 (VCV003762815.2).

ClinVar aggregate classification (germline): Uncertain significance (1 of 4 stars; one submission).

Conditions:
Dyskeratosis congenita, autosomal recessive 5 (DKCB5). Identifiers: MedGen C3554656, MONDO:0014076, OMIM 615190.
Pulmonary fibrosis and/or bone marrow failure, Telomere-related, 3. Also called: PULMONARY FIBROSIS AND/OR BONE MARROW FAILURE SYNDROME, TELOMERE-RELATED, 3. Identifiers: Orphanet 2032, MedGen C4225346, MONDO:0014613, OMIM 616373.

Submission:

Labcorp Genetics (formerly Invitae), Labcorp
Classification: Uncertain significance for Dyskeratosis congenita, autosomal recessive 5; Pulmonary fibrosis and/or bone marrow failure, Telomere-related, 3. Last evaluated: 2024-08-14. Review status: criteria provided, single submitter. Criteria: Invitae Variant Classification Sherloc (09022015). Collection method: clinical testing. Allele origin: germline.
Comment: This sequence change replaces arginine, which is basic and polar, with serine, which is neutral and polar, at codon 1032 of the RTEL1 protein (p.Arg1032Ser). This variant is not present in population databases (gnomAD no frequency). This variant has not been reported in the literature in individuals affected with RTEL1-related conditions. An algorithm developed to predict the effect of missense changes on protein structure and function (PolyPhen-2) suggests that this variant is likely to be tolerated. In summary, the available evidence is currently insufficient to determine the role of this variant in disease. Therefore, it has been classified as a Variant of Uncertain Significance.